The following is an entry in ClinVar:

ClinVar aggregate classification (germline): Conflicting classifications of pathogenicity. Review status: criteria provided, conflicting classifications (1 of 4 stars). 3 submissions from 3 submitters: Uncertain significance (1); Likely benign (2). Last evaluated 2026-01-13.

Conditions:
HYPERHOMOCYSTEINEMIA, THROMBOTIC, CBS-RELATED. Identifiers: MedGen C3150344, OMIM 236200.

Allele frequency attached by ClinVar (database versions not stated): gnomAD exomes 0.00002; gnomAD 0.00006; 1000 Genomes Project 0.00020; ExAC 0.00001.

Submissions (3):

Labcorp Genetics (formerly Invitae), Labcorp
Classification: Likely benign for HYPERHOMOCYSTEINEMIA, THROMBOTIC, CBS-RELATED. Last evaluated: 2026-01-13. Review status: criteria provided, single submitter. Criteria: Invitae Variant Classification Sherloc (09022015). Collection method: clinical testing. Allele origin: germline.

CeGaT Center for Human Genetics Tuebingen
Classification: Uncertain significance. Last evaluated: 2023-04-01. Review status: criteria provided, single submitter. Criteria: CeGaT Center For Human Genetics Tuebingen Variant Classification Criteria Version 2. Collection method: clinical testing. Allele origin: germline. Affected: yes. Observed: 1 variant allele.
Comment: CBS: PM2, BP4

GeneDx
Classification: Likely benign. Last evaluated: 2018-03-30. Review status: criteria provided, single submitter. Criteria: GeneDx Variant Classification (06012015). Collection method: clinical testing. Allele origin: germline. Affected: yes.
Comment: This variant is considered likely benign or benign based on one or more of the following criteria: it is a conservative change, it occurs at a poorly conserved position in the protein, it is predicted to be benign by multiple in silico algorithms, and/or has population frequency not consistent with disease.

NM_000071.3(CBS):c.954+7C>T

Gene: CBS (cystathionine beta-synthase; minus strand). Cytogenetic location: 21q22.3.
Variant type: single nucleotide variant.
Coding change: c.954+7C>T on transcript NM_000071.3 (MANE Select); 7 bases into the intron after coding-DNA position 954, C replaced by T.
Molecular consequence: intron variant.
Genome position (GRCh38, 1-based): chr21:43,062,946, G>A on the plus strand (C>T on the coding strand, the complement: CBS is on the minus strand). VCF-style: chr21-43062946-G-A. GRCh37 (hg19) VCF-style: chr21-44483056-G-A.
Other names: c.954+7C>T (NM_001320298.2, NM_001178009.3, NM_001178008.3); c.639+7C>T (NM_001321072.1).
Identifiers: ClinVar variation 681512 (VCV000681512.36), dbSNP rs554429567, ClinGen allele CA321091201.